The following is an entry in ClinVar:

ClinVar aggregate classification (germline): Uncertain significance (1 of 4 stars; one submission).

Allele frequency attached by ClinVar (database versions not stated): gnomAD exomes below 0.00001; gnomAD 0.00001; TOPMed 0.00001.
gnomAD v4.1: 8 of 1,614,090 alleles (0.0005%); highest among the groups gnomAD compares: Non-Finnish European, 0.00059%; no homozygotes.

Submission:

Labcorp Genetics (formerly Invitae), Labcorp
Classification: Uncertain significance. Last evaluated: 2023-11-10. Review status: criteria provided, single submitter. Criteria: Invitae Variant Classification Sherloc (09022015). Collection method: clinical testing. Allele origin: germline.
Comment: This sequence change replaces leucine, which is neutral and non-polar, with phenylalanine, which is neutral and non-polar, at codon 532 of the ACO2 protein (p.Leu532Phe). This variant is not present in population databases (gnomAD no frequency). This variant has not been reported in the literature in individuals affected with ACO2-related conditions. Advanced modeling of protein sequence and biophysical properties (such as structural, functional, and spatial information, amino acid conservation, physicochemical variation, residue mobility, and thermodynamic stability) performed at Invitae indicates that this missense variant is not expected to disrupt ACO2 protein function with a negative predictive value of 80%. In summary, the available evidence is currently insufficient to determine the role of this variant in disease. Therefore, it has been classified as a Variant of Uncertain Significance.

NM_001098.3(ACO2):c.1594C>T (p.Leu532Phe)

Gene: ACO2 (aconitase 2; plus strand). Cytogenetic location: 22q13.2.
Variant type: single nucleotide variant.
Coding change: c.1594C>T on transcript NM_001098.3 (MANE Select); coding-DNA position 1594, C replaced by T.
Protein change: p.Leu532Phe; replaces leucine 532 with phenylalanine.
Molecular consequence: missense variant.
Genome position (GRCh38, 1-based): chr22:41,524,957, C>T. VCF-style: chr22-41524957-C-T. GRCh37 (hg19) VCF-style: chr22-41920961-C-T.
Other names: short protein forms L532F.
Identifiers: ClinVar variation 2813366 (VCV002813366.3), dbSNP rs915484869, ClinGen allele CA324580400.